The following is an entry in ClinVar:

ClinVar aggregate classification (germline): Uncertain significance (1 of 4 stars; one submission).

Submission:

Labcorp Genetics (formerly Invitae), Labcorp
Classification: Uncertain significance. Last evaluated: 2022-05-11. Review status: criteria provided, single submitter. Criteria: Invitae Variant Classification Sherloc (09022015). Collection method: clinical testing. Allele origin: germline.
Comment: Algorithms developed to predict the effect of missense changes on protein structure and function (SIFT, PolyPhen-2, Align-GVGD) all suggest that this variant is likely to be disruptive. This sequence change replaces tyrosine, which is neutral and polar, with asparagine, which is neutral and polar, at codon 488 of the EPHA4 protein (p.Tyr488Asn). This variant is not present in population databases (gnomAD no frequency). This variant has not been reported in the literature in individuals affected with EPHA4-related conditions. In summary, the available evidence is currently insufficient to determine the role of this variant in disease. Therefore, it has been classified as a Variant of Uncertain Significance.

NM_004438.5(EPHA4):c.1462T>A (p.Tyr488Asn)

Gene: EPHA4 (EPH receptor A4; minus strand). Cytogenetic location: 2q36.1.
Variant type: single nucleotide variant.
Coding change: c.1462T>A on transcript NM_004438.5 (MANE Select); coding-DNA position 1462, T replaced by A.
Protein change: p.Tyr488Asn; replaces tyrosine 488 with asparagine.
Molecular consequence: missense variant.
Genome position (GRCh38, 1-based): chr2:221,456,754, A>T on the plus strand (T>A on the coding strand, the complement: EPHA4 is on the minus strand). VCF-style: chr2-221456754-A-T. GRCh37 (hg19) VCF-style: chr2-222321474-A-T.
Other names: c.1462T>A, p.Tyr488Asn (NM_001304536.2, NM_001363748.2); c.1309T>A, p.Tyr437Asn (NM_001304537.2); short protein forms Y437N, Y488N.
Identifiers: ClinVar variation 1993103 (VCV001993103.4), dbSNP rs2469227487, ClinGen allele CA350405592.